The following is an entry in ClinVar:

ClinVar aggregate classification (germline): Uncertain significance (1 of 4 stars; one submission).

Conditions:
Long QT syndrome (LQTS). Identifiers: MedGen C0023976, MeSH D008133, MONDO:0002442. Disease mechanism: loss of function. Inheritance: Various modes of inheritance.

Allele frequency attached by ClinVar (database versions not stated): gnomAD exomes below 0.00001.
gnomAD v4.1: 1 of 1,614,086 alleles (0.000062%); highest among the groups gnomAD compares: Non-Finnish European, 0.000085%; no homozygotes.

Submission:

Labcorp Genetics (formerly Invitae), Labcorp
Classification: Uncertain significance for Long QT syndrome. Last evaluated: 2023-08-10. Review status: criteria provided, single submitter. Criteria: Invitae Variant Classification Sherloc (09022015). Collection method: clinical testing. Allele origin: germline.
Comment: In summary, the available evidence is currently insufficient to determine the role of this variant in disease. Therefore, it has been classified as a Variant of Uncertain Significance. An algorithm developed to predict the effect of missense changes on protein structure and function (PolyPhen-2) suggests that this variant is likely to be tolerated. ClinVar contains an entry for this variant (Variation ID: 1449804). This variant has not been reported in the literature in individuals affected with ANK2-related conditions. This variant is not present in population databases (gnomAD no frequency). This sequence change replaces valine, which is neutral and non-polar, with leucine, which is neutral and non-polar, at codon 1893 of the ANK2 protein (p.Val1893Leu).

NM_001148.6(ANK2):c.5677G>T (p.Val1893Leu)

Genes: ANK2 (ankyrin 2; plus strand), LOC126807136 (MED14-independent group 3 enhancer GRCh37_chr4:114274931-114276130; plus strand). Cytogenetic location: 4q26.
Variant type: single nucleotide variant.
Coding change: c.5677G>T on transcript NM_001148.6 (MANE Select); coding-DNA position 5677, G replaced by T.
Protein change: p.Val1893Leu; replaces valine 1893 with leucine.
Molecular consequence: missense variant. On other transcripts: intron variant (68).
Genome position (GRCh38, 1-based): chr4:113,354,295, G>T. VCF-style: chr4-113354295-G-T. GRCh37 (hg19) VCF-style: chr4-114275451-G-T.
Other names: c.5443G>T, p.Val1815Leu (NM_001386142.1); c.2077G>T, p.Val693Leu (NM_001386166.1); c.5818G>T, p.Val1940Leu (NM_001386174.1); c.5794G>T, p.Val1932Leu (NM_001386175.1); c.4411+4046G>T (NM_001386186.2, NM_001386148.2); c.4213+4046G>T (NM_001354269.3); c.4291+4046G>T (NM_001386187.2); c.4252+4046G>T (NM_001386147.1); and 35 more; short protein forms V1815L, V1893L, V1932L, V1940L, V693L.
Identifiers: ClinVar variation 1449804 (VCV001449804.6), dbSNP rs2095603402, ClinGen allele CA357920847.